The following is an entry in ClinVar:

NM_206933.4(USH2A):c.3369T>A (p.Tyr1123Ter)

Genes: USH2A (usherin; minus strand), USH2A-AS1 (USH2A antisense RNA 1; plus strand). Cytogenetic location: 1q41.
Variant type: single nucleotide variant.
Coding change: c.3369T>A on transcript NM_206933.4 (MANE Select); coding-DNA position 3369, T replaced by A.
Protein change: p.Tyr1123Ter; replaces tyrosine 1123 with a stop codon.
Molecular consequence: nonsense.
Genome position (GRCh38, 1-based): chr1:216,200,069, A>T on the plus strand (T>A on the coding strand, the complement: USH2A is on the minus strand). VCF-style: chr1-216200069-A-T. GRCh37 (hg19) VCF-style: chr1-216373411-A-T.
Other names: c.3369T>A, p.Tyr1123Ter (NM_007123.6); short protein forms Y1123*.
Identifiers: ClinVar variation 4817114 (VCV004817114.2).

ClinVar aggregate classification (germline): Pathogenic/Likely pathogenic. Review status: criteria provided, multiple submitters, no conflicts (2 of 4 stars). 2 submissions from 2 submitters: Pathogenic (1); Likely pathogenic (1). Last evaluated 2025-05-05.

Conditions:
Usher syndrome type 2A. Also called: RETINAL DISEASE IN USHER SYNDROME TYPE IIA, MODIFIER OF; USHER SYNDROME, TYPE IIA. Identifiers: Orphanet 231178, Orphanet 886, MedGen C1848634, MONDO:0010169, OMIM 276901.
USH2A-related disorder. Also called: USH2A-related condition; USH2A-related disorders. Identifiers: MedGen CN239332.

Submissions (2):

Natera, Inc.
Classification: Likely pathogenic for Usher syndrome type 2A. Last evaluated: 2025-05-05. Review status: criteria provided, single submitter. Criteria: Natera Variant Classification Schema (03/2026). Collection method: clinical testing. Allele origin: germline.
Comment: The c.3369T>A variant in USH2A is a nonsense variant predicted to introduce a stop codon at amino acid 1123. This variant is expected to result in nonsense mediated decay, truncation, or a dysfunctional protein product. This variant is rare in the general population with a frequency below the threshold expected for the associated phenotype(s). Given the available evidence, this variant is classified as Likely Pathogenic.

Myriad Genetics, Inc.
Classification: Pathogenic for USH2A-related disorder. Last evaluated: 2024-12-21. Review status: criteria provided, single submitter. Criteria: Myriad Autosomal Dominant, Autosomal Recessive and X-Linked Classification Criteria (2023). Collection method: clinical testing. Allele origin: unknown.
Comment: NM_206933.2(USH2A):c.3369T>A(Y1123*) is expected to be pathogenic in the context of USH2A-related disorders. This variant is predicted to lead to an abnormal or absent protein product due to the creation of a premature termination codon in USH2A, a gene where loss-of-function variants are known to be pathogenic. Please note: this variant was assessed in the context of healthy population screening.